The following is an entry in ClinVar:

ClinVar aggregate classification (germline): Uncertain significance (1 of 4 stars; one submission).

Conditions:
Inborn genetic diseases. Identifiers: MedGen C0950123, MeSH D030342.

Allele frequency attached by ClinVar (database versions not stated): TOPMed 0.00001.
gnomAD v4.1: 2 of 1,613,912 alleles (0.00012%); highest among the groups gnomAD compares: Non-Finnish European, 0.00017%; no homozygotes.

Submission:

Ambry Genetics
Classification: Uncertain significance for Inborn genetic diseases. Last evaluated: 2021-09-30. Review status: criteria provided, single submitter. Criteria: Ambry Variant Classification Scheme 2023. Collection method: clinical testing. Allele origin: germline.
Comment: The p.A628S variant (also known as c.1882G>T), located in coding exon 16 of the LRRK2 gene, results from a G to T substitution at nucleotide position 1882. The alanine at codon 628 is replaced by serine, an amino acid with similar properties. This amino acid position is conserved. In addition, this alteration is predicted to be tolerated by in silico analysis. Since supporting evidence is limited at this time, the clinical significance of this alteration remains unclear.

NM_198578.4(LRRK2):c.1882G>T (p.Ala628Ser)

Gene: LRRK2 (leucine rich repeat kinase 2; plus strand). Cytogenetic location: 12q12.
Variant type: single nucleotide variant.
Coding change: c.1882G>T on transcript NM_198578.4 (MANE Select); coding-DNA position 1882, G replaced by T.
Protein change: p.Ala628Ser; replaces alanine 628 with serine.
Molecular consequence: missense variant.
Genome position (GRCh38, 1-based): chr12:40,274,934, G>T. VCF-style: chr12-40274934-G-T. GRCh37 (hg19) VCF-style: chr12-40668736-G-T.
Other names: short protein forms A628S.
Identifiers: ClinVar variation 1781920 (VCV001781920.2), dbSNP rs917605741, ClinGen allele CA235328526.
Genomic context (GRCh38, chr12:40,274,934, plus strand): 5'-AGTCTTATAGGATACTTGATTACAAAGAAGAATGTGTTCATAGGAACTGGACATCTGCTG[G>T]CAAAAATTCTGGTTTCCAGCTTATACCGATTTAAGGATGTTGCTGAAATACAGACTAAAG-3'
Protein context (NP_940980.4, residues 618-638): NVFIGTGHLL[Ala628Ser]KILVSSLYRF